The following is an entry in ClinVar:

NM_002718.5(PPP2R3A):c.1642G>A (p.Gly548Ser)

Gene: PPP2R3A (protein phosphatase 2 regulatory subunit B''alpha; plus strand). Cytogenetic location: 3q22.3.
Variant type: single nucleotide variant.
Coding change: c.1642G>A on transcript NM_002718.5 (MANE Select); coding-DNA position 1642, G replaced by A.
Protein change: p.Gly548Ser; replaces glycine 548 with serine.
Molecular consequence: missense variant. On other transcripts: intron variant (1).
Genome position (GRCh38, 1-based): chr3:136,003,140, G>A. VCF-style: chr3-136003140-G-A. GRCh37 (hg19) VCF-style: chr3-135721982-G-A.
Other names: c.-213-23692G>A (NM_001190447.2); short protein forms G548S.
Identifiers: ClinVar variation 3045317 (VCV003045317.2), dbSNP rs371563412, ClinGen allele CA2630615.

ClinVar aggregate classification (germline): Likely benign (0 of 4 stars; one submission).

Conditions:
PPP2R3A-related disorder. Also called: PPP2R3A-related condition.

Allele frequency attached by ClinVar (database versions not stated): TOPMed 0.00006; ESP Exome Variant Server 0.00023; gnomAD 0.00029; gnomAD exomes 0.00044; ExAC 0.00097; 1000 Genomes Project 0.00140; 1000 Genomes Project 30x 0.00156.
gnomAD v4.1: 687 of 1,613,706 alleles (0.043%); highest among the groups gnomAD compares: South Asian, 0.7%; 14 homozygotes.

Submission:

PreventionGenetics, part of Exact Sciences
Classification: Likely benign for PPP2R3A-related condition. Last evaluated: 2019-10-28. Review status: no assertion criteria provided. Collection method: clinical testing. Allele origin: germline.
Comment: This variant is classified as likely benign based on ACMG/AMP sequence variant interpretation guidelines (Richards et al. 2015 PMID: 25741868, with internal and published modifications).